The following is an entry in ClinVar:

NM_014633.5(CTR9):c.2068A>G (p.Ile690Val)

Gene: CTR9 (CTR9 component of Paf1/RNA polymerase II complex; plus strand). Cytogenetic location: 11p15.4.
Variant type: single nucleotide variant.
Coding change: c.2068A>G on transcript NM_014633.5 (MANE Select); coding-DNA position 2068, A replaced by G.
Protein change: p.Ile690Val; replaces isoleucine 690 with valine.
Molecular consequence: missense variant.
Genome position (GRCh38, 1-based): chr11:10,768,450, A>G. VCF-style: chr11-10768450-A-G. GRCh37 (hg19) VCF-style: chr11-10789997-A-G.
Other names: c.2068A>G, p.Ile690Val (NM_001346279.2); short protein forms I690V.
Identifiers: ClinVar variation 2894301 (VCV002894301.3), dbSNP rs2539385040, ClinGen allele CA379674300.

ClinVar aggregate classification (germline): Uncertain significance (1 of 4 stars; one submission).

Submission:

Labcorp Genetics (formerly Invitae), Labcorp
Classification: Uncertain significance. Last evaluated: 2023-08-23. Review status: criteria provided, single submitter. Criteria: Invitae Variant Classification Sherloc (09022015). Collection method: clinical testing. Allele origin: germline.
Comment: This variant has not been reported in the literature in individuals affected with CTR9-related conditions. This variant is not present in population databases (gnomAD no frequency). This sequence change replaces isoleucine, which is neutral and non-polar, with valine, which is neutral and non-polar, at codon 690 of the CTR9 protein (p.Ile690Val). An algorithm developed to predict the effect of missense changes on protein structure and function (PolyPhen-2) suggests that this variant is likely to be tolerated. In summary, the available evidence is currently insufficient to determine the role of this variant in disease. Therefore, it has been classified as a Variant of Uncertain Significance.